The following is an entry in ClinVar:

NM_004656.4(BAP1):c.1117-3C>T

Gene: BAP1 (BRCA1 associated deubiquitinase 1; minus strand). Cytogenetic location: 3p21.1.
Variant type: single nucleotide variant.
Coding change: c.1117-3C>T on transcript NM_004656.4 (MANE Select); 3 bases into the intron before coding-DNA position 1117, C replaced by T.
Molecular consequence: intron variant.
Genome position (GRCh38, 1-based): chr3:52,404,589, G>A on the plus strand (C>T on the coding strand, the complement: BAP1 is on the minus strand). VCF-style: chr3-52404589-G-A. GRCh37 (hg19) VCF-style: chr3-52438605-G-A.
Other names: c.1063-3C>T (NM_001410772.1).
Identifiers: ClinVar variation 3818350 (VCV003818350.1).

ClinVar aggregate classification (germline): Uncertain significance (1 of 4 stars; one submission).

Conditions:
Hereditary cancer-predisposing syndrome. Also called: Hereditary neoplastic syndrome; Neoplastic Syndromes, Hereditary; Tumor predisposition; Hereditary Cancer Syndrome. Identifiers: Orphanet 140162, MedGen C0027672, MeSH D009386, MONDO:0015356.

Submission:

Ambry Genetics
Classification: Uncertain significance for Hereditary cancer-predisposing syndrome. Last evaluated: 2025-01-14. Review status: criteria provided, single submitter. Criteria: Ambry Variant Classification Scheme 2023. Collection method: clinical testing. Allele origin: germline.
Comment: The c.1117-3C>T intronic variant results from a C to T substitution 3 nucleotides upstream from coding exon 12 in the BAP1 gene. This nucleotide position is well conserved in available vertebrate species. In silico splice site analysis predicts that this alteration will not have any significant effect on splicing. Based on the available evidence, the clinical significance of this variant remains unclear.